The following is an entry in ClinVar:

NM_001999.4(FBN2):c.3087C>T (p.Val1029=)

Genes: FBN2 (fibrillin 2; minus strand), LOC126807501 (BRD4-independent group 4 enhancer GRCh37_chr5:127680731-127681930; plus strand). Cytogenetic location: 5q23.3.
Variant type: single nucleotide variant.
Coding change: c.3087C>T on transcript NM_001999.4 (MANE Select); coding-DNA position 3087, C replaced by T.
Protein change: p.Val1029=; no amino-acid change (valine 1029 retained).
Molecular consequence: synonymous variant.
Genome position (GRCh38, 1-based): chr5:128,345,487, G>A on the plus strand (C>T on the coding strand, the complement: FBN2 is on the minus strand). VCF-style: chr5-128345487-G-A. GRCh37 (hg19) VCF-style: chr5-127681179-G-A.
Identifiers: ClinVar variation 700223 (VCV000700223.17), dbSNP rs777392642, ClinGen allele CA3395334.
Genomic context (GRCh38, chr5:128,345,487, plus strand): 5'-CTCGTATTCCTTGGTGCCAGGTTTGGGGCACTCCTCACACTCGGTGCCCCAAGCCGCCCC[G>A]ACAGCACAGCAGCAGGCATCCATGCGGAACTTTCCAGGAACGGGGTGGATGCATTCATCT-3'
Protein context (NP_001990.2, residues 1019-1039): KFRMDACCCA[Val1029=]GAAWGTECEE

ClinVar aggregate classification (germline): Likely benign. Review status: criteria provided, multiple submitters, no conflicts (2 of 4 stars). 5 submissions from 4 submitters: Likely benign (5). Last evaluated 2026-01-31.

Conditions:
Ehlers-Danlos syndrome (EDS). Identifiers: Orphanet 98249, MedGen C0013720, MONDO:0020066.
Familial thoracic aortic aneurysm and aortic dissection (TAAD). Also called: Thoracic aortic aneurysms and dissections. Identifiers: Orphanet 91387, MedGen C4707243, MONDO:0019625.
Congenital contractural arachnodactyly (CCA). Also called: BEALS SYNDROME; Arthrogryposis, distal, type 9; Beals-Hecht syndrome. Identifiers: Orphanet 115, MedGen C0220668, MONDO:0007363, OMIM 121050.
Connective tissue disorder. Also called: Connective tissue disease. Identifiers: MedGen C0009782, MONDO:0003900.

Allele frequency attached by ClinVar (database versions not stated): gnomAD exomes 0.00005; ExAC 0.00007; gnomAD 0.00030 and 0.00034; TOPMed 0.00036.
gnomAD v4.1: 128 of 1,614,000 alleles (0.0079%); highest among the groups gnomAD compares: African/African-American, 0.11%; no homozygotes.

Submissions (5):

Labcorp Genetics (formerly Invitae), Labcorp
Classification: Likely benign for Congenital contractural arachnodactyly. Last evaluated: 2026-01-31. Review status: criteria provided, single submitter. Criteria: Invitae Variant Classification Sherloc (09022015). Collection method: clinical testing. Allele origin: germline.

Ambry Genetics
Classification: Likely benign for Familial thoracic aortic aneurysm and aortic dissection. Last evaluated: 2022-05-17. Review status: criteria provided, single submitter. Criteria: Ambry Variant Classification Scheme 2023. Collection method: clinical testing. Allele origin: germline.

Genome Diagnostics Laboratory, The Hospital for Sick Children
Classification: Likely benign for Ehlers-Danlos syndrome. Last evaluated: 2021-11-29. Review status: criteria provided, single submitter. Criteria: ACMG Guidelines, 2015. Collection method: clinical testing. Allele origin: germline.

Genome Diagnostics Laboratory, The Hospital for Sick Children
Classification: Likely benign for Connective tissue disorder. Last evaluated: 2021-11-29. Review status: criteria provided, single submitter. Criteria: ACMG Guidelines, 2015. Collection method: clinical testing. Allele origin: germline.

GeneDx
Classification: Likely benign. Last evaluated: 2020-03-23. Review status: criteria provided, single submitter. Criteria: GeneDx Variant Classification Process June 2021. Collection method: clinical testing. Allele origin: germline. Affected: yes.
Comment: See Variant Classification Assertion Criteria.